The following is an entry in ClinVar:

ClinVar aggregate classification (germline): Likely benign (1 of 4 stars; one submission).

Allele frequency attached by ClinVar (database versions not stated): gnomAD 0.00039; gnomAD exomes 0.00039; TOPMed 0.00070.
gnomAD v4.1: 326 of 771,091 alleles (0.042%); highest among the groups gnomAD compares: Middle Eastern, 1.1%; 1 homozygote.

Submission:

CeGaT Center for Human Genetics Tuebingen
Classification: Likely benign. Last evaluated: 2023-06-01. Review status: criteria provided, single submitter. Criteria: CeGaT Center For Human Genetics Tuebingen Variant Classification Criteria Version 2. Collection method: clinical testing. Allele origin: germline. Affected: yes. Observed: 2 variant alleles.
Comment: AP1S2: BS2

NM_001272071.2(AP1S2):c.-12C>T

Gene: AP1S2 (adaptor related protein complex 1 subunit sigma 2; minus strand). Cytogenetic location: Xp22.2.
Variant type: single nucleotide variant.
Coding change: c.-12C>T on transcript NM_001272071.2 (MANE Select); 12 bases upstream of the start codon, C replaced by T.
Molecular consequence: 5 prime UTR variant. On other transcripts: non-coding transcript variant (2).
Genome position (GRCh38, 1-based): chrX:15,854,699, G>A on the plus strand (C>T on the coding strand, the complement: AP1S2 is on the minus strand). VCF-style: chrX-15854699-G-A. GRCh37 (hg19) VCF-style: chrX-15872822-G-A.
Other names: c.-12C>T (NM_001368994.1, NM_001369007.1, NM_001369008.1 and 1 more transcripts).
Identifiers: ClinVar variation 2571356 (VCV002571356.27), dbSNP rs756612753, ClinGen allele CA10356477.